The following is an entry in ClinVar:

NM_001366686.3(SIK3):c.3852C>A (p.Leu1284=)

Genes: APOA1-AS (APOA1 antisense RNA; plus strand), SIK3 (SIK family kinase 3; minus strand). Cytogenetic location: 11q23.3.
Variant type: single nucleotide variant.
Coding change: c.3852C>A on transcript NM_001366686.3 (MANE Select); coding-DNA position 3852, C replaced by A.
Protein change: p.Leu1284=; no amino-acid change (leucine 1284 retained).
Molecular consequence: synonymous variant.
Genome position (GRCh38, 1-based): chr11:116,847,576, G>T on the plus strand (C>A on the coding strand, the complement: SIK3 is on the minus strand). VCF-style: chr11-116847576-G-T. GRCh37 (hg19) VCF-style: chr11-116718292-G-T.
Other names: c.3051C>A, p.Leu1017= (NM_001281748.3); c.3528C>A, p.Leu1176= (NM_001281749.3); c.3708C>A, p.Leu1236= (NM_025164.6).
Identifiers: ClinVar variation 3044043 (VCV003044043.2), dbSNP rs1016240093, ClinGen allele CA229332743.

ClinVar aggregate classification (germline): Likely benign (0 of 4 stars; one submission).

Conditions:
SIK3-related disorder. Also called: SIK3-related condition.

Allele frequency attached by ClinVar (database versions not stated): gnomAD 0.00001; TOPMed 0.00001.
gnomAD v4.1: 16 of 1,614,042 alleles (0.00099%); highest among the groups gnomAD compares: South Asian, 0.0055%; no homozygotes.

Submission:

PreventionGenetics, part of Exact Sciences
Classification: Likely benign for SIK3-related condition. Last evaluated: 2019-06-06. Review status: no assertion criteria provided. Collection method: clinical testing. Allele origin: germline.
Comment: This variant is classified as likely benign based on ACMG/AMP sequence variant interpretation guidelines (Richards et al. 2015 PMID: 25741868, with internal and published modifications).